The following is an entry in ClinVar:

NM_006063.3(KLHL41):c.443C>T (p.Pro148Leu)

Gene: KLHL41 (kelch like family member 41; plus strand). Cytogenetic location: 2q31.1.
Variant type: single nucleotide variant.
Coding change: c.443C>T on transcript NM_006063.3 (MANE Select); coding-DNA position 443, C replaced by T.
Protein change: p.Pro148Leu; replaces proline 148 with leucine.
Molecular consequence: missense variant.
Genome position (GRCh38, 1-based): chr2:169,510,221, C>T. VCF-style: chr2-169510221-C-T. GRCh37 (hg19) VCF-style: chr2-170366731-C-T.
Other names: short protein forms P148L.
Identifiers: ClinVar variation 572226 (VCV000572226.6), dbSNP rs772160259, ClinGen allele CA1956504.

ClinVar aggregate classification (germline): Uncertain significance (1 of 4 stars; one submission).

Conditions:
Nemaline myopathy 9 (NEM9). Identifiers: MedGen C3810384, MONDO:0014326, OMIM 615731.

Allele frequency attached by ClinVar (database versions not stated): gnomAD exomes 0.00001; ExAC 0.00002; gnomAD 0.00002; TOPMed 0.00006.
gnomAD v4.1: 23 of 1,613,774 alleles (0.0014%); highest among the groups gnomAD compares: African/African-American, 0.008%; no homozygotes.

Submission:

Labcorp Genetics (formerly Invitae), Labcorp
Classification: Uncertain significance for Nemaline myopathy 9. Last evaluated: 2022-04-29. Review status: criteria provided, single submitter. Criteria: Invitae Variant Classification Sherloc (09022015). Collection method: clinical testing. Allele origin: germline.
Comment: This sequence change replaces proline, which is neutral and non-polar, with leucine, which is neutral and non-polar, at codon 148 of the KLHL41 protein (p.Pro148Leu). This variant is present in population databases (rs772160259, gnomAD 0.01%). This variant has not been reported in the literature in individuals affected with KLHL41-related conditions. ClinVar contains an entry for this variant (Variation ID: 572226). Algorithms developed to predict the effect of missense changes on protein structure and function (SIFT, PolyPhen-2, Align-GVGD) all suggest that this variant is likely to be disruptive. In summary, the available evidence is currently insufficient to determine the role of this variant in disease. Therefore, it has been classified as a Variant of Uncertain Significance.